The following is an entry in ClinVar:

NM_004656.4(BAP1):c.723T>C (p.Tyr241=)

Gene: BAP1 (BRCA1 associated deubiquitinase 1; minus strand). Cytogenetic location: 3p21.1.
Variant type: single nucleotide variant.
Coding change: c.723T>C on transcript NM_004656.4 (MANE Select); coding-DNA position 723, T replaced by C.
Protein change: p.Tyr241=; no amino-acid change (tyrosine 241 retained).
Molecular consequence: synonymous variant.
Genome position (GRCh38, 1-based): chr3:52,406,313, A>G on the plus strand (T>C on the coding strand, the complement: BAP1 is on the minus strand). VCF-style: chr3-52406313-A-G. GRCh37 (hg19) VCF-style: chr3-52440329-A-G.
Other names: c.669T>C, p.Tyr223= (NM_001410772.1).
Identifiers: ClinVar variation 2736098 (VCV002736098.5), dbSNP rs2153227458, ClinGen allele CA433776272.

ClinVar aggregate classification (germline): Benign/Likely benign. Review status: criteria provided, multiple submitters, no conflicts (2 of 4 stars). 3 submissions from 3 submitters: Benign (1); Likely benign (2). Last evaluated 2026-01-14.

Conditions:
BAP1-related tumor predisposition syndrome (TPDS1). Also called: Tumor susceptibility linked to germline BAP1 mutations; COMMON Syndrome; TUMOR PREDISPOSITION SYNDROME 1; BAP1 tumor predisposition syndrome. Identifiers: Orphanet 289539, MedGen C3280492, MONDO:0013692, OMIM 614327.
Hereditary cancer-predisposing syndrome. Also called: Tumor predisposition; Hereditary Cancer Syndrome; Hereditary neoplastic syndrome; Neoplastic Syndromes, Hereditary. Identifiers: Orphanet 140162, MedGen C0027672, MeSH D009386, MONDO:0015356.

Submissions (3):

Ambry Genetics
Classification: Likely benign for Hereditary cancer-predisposing syndrome. Last evaluated: 2026-01-14. Review status: criteria provided, single submitter. Criteria: Ambry Variant Classification Scheme 2023. Collection method: clinical testing. Allele origin: germline.

Myriad Genetics, Inc.
Classification: Benign for BAP1-related tumor predisposition syndrome. Last evaluated: 2024-07-15. Review status: criteria provided, single submitter. Criteria: Myriad Autosomal Dominant, Autosomal Recessive and X-Linked Classification Criteria (2023). Collection method: clinical testing. Allele origin: unknown.
Comment: This variant is considered benign. This variant is a silent/synonymous amino acid change and it is not expected to impact splicing.

Labcorp Genetics (formerly Invitae), Labcorp
Classification: Likely benign for BAP1-related tumor predisposition syndrome. Last evaluated: 2024-01-10. Review status: criteria provided, single submitter. Criteria: Invitae Variant Classification Sherloc (09022015). Collection method: clinical testing. Allele origin: germline.